The following is an entry in ClinVar:

ClinVar aggregate classification (germline): Pathogenic (1 of 4 stars; one submission).

Conditions:
Hereditary cancer-predisposing syndrome. Also called: Neoplastic Syndromes, Hereditary; Tumor predisposition; Hereditary Cancer Syndrome; Hereditary neoplastic syndrome. Identifiers: Orphanet 140162, MedGen C0027672, MeSH D009386, MONDO:0015356.

Submission:

Ambry Genetics
Classification: Pathogenic for Hereditary cancer-predisposing syndrome. Last evaluated: 2019-04-17. Review status: criteria provided, single submitter. Criteria: Ambry Variant Classification Scheme 2023. Collection method: clinical testing. Allele origin: germline.
Comment: The c.1910_1911insGA pathogenic mutation, located in coding exon 11 of the DICER1 gene, results from an insertion of two nucleotides at position 1910, causing a translational frameshift with a predicted alternate stop codon (p.Y637*). This alteration is expected to result in loss of function by premature protein truncation or nonsense-mediated mRNA decay. As such, this alteration is interpreted as a disease-causing mutation.

NM_177438.3(DICER1):c.1910_1911insGA (p.Tyr637Ter)

Gene: DICER1 (dicer 1, ribonuclease III; minus strand). Cytogenetic location: 14q32.13.
Variant type: Insertion.
Coding change: c.1910_1911insGA on transcript NM_177438.3 (MANE Select); coding-DNA positions 1910 to 1911, GA inserted.
Protein change: p.Tyr637Ter; replaces tyrosine 637 with a stop codon.
Molecular consequence: nonsense.
Genome position: GRCh38 VCF-style: chr14-95113221-G-GTC. GRCh37 (hg19) VCF-style: chr14-95579558-G-GTC.
Other names: c.1910_1911insGA, p.Tyr637Ter (NM_001195573.1, NM_001271282.3, NM_001291628.2 and 1 more transcripts); short protein forms Y637*.
Identifiers: ClinVar variation 820321 (VCV000820321.4), dbSNP rs886037682, ClinGen allele CA915946405.
Genomic context (GRCh38, chr14:95,113,221, plus strand): 5'-CTCTCGGGTTCTGCATTTAGGAGCTAGATGAGTAAACGGATCACTTGGTAATCTAGCACA[G>GTC]TATCTGTGAAGAAAAAGAAATTCTGAGGCTGAATCTACAACTGAGAAAATATTGATATTT-3'